The following is an entry in ClinVar:

NM_000747.3(CHRNB1):c.1307T>A (p.Val436Asp)

Gene: CHRNB1 (cholinergic receptor nicotinic beta 1 subunit; plus strand). Cytogenetic location: 17p13.1.
Variant type: single nucleotide variant.
Coding change: c.1307T>A on transcript NM_000747.3 (MANE Select); coding-DNA position 1307, T replaced by A.
Protein change: p.Val436Asp; replaces valine 436 with aspartic acid.
Molecular consequence: missense variant.
Genome position (GRCh38, 1-based): chr17:7,455,883, T>A. VCF-style: chr17-7455883-T-A. GRCh37 (hg19) VCF-style: chr17-7359202-T-A.
Other names: short protein forms V436D.
Identifiers: ClinVar variation 1507396 (VCV001507396.6), dbSNP rs1597755409, ClinGen allele CA397802629.

ClinVar aggregate classification (germline): Uncertain significance (1 of 4 stars; one submission).

Conditions:
Congenital myasthenic syndrome 2A. Also called: Myasthenic syndrome, congenital, 2a, slow-channel. Identifiers: Orphanet 590, MedGen C4225374, MONDO:0014581, OMIM 616313.

Submission:

Labcorp Genetics (formerly Invitae), Labcorp
Classification: Uncertain significance for Congenital myasthenic syndrome 2A. Last evaluated: 2021-12-10. Review status: criteria provided, single submitter. Criteria: Invitae Variant Classification Sherloc (09022015). Collection method: clinical testing. Allele origin: germline.
Comment: In summary, the available evidence is currently insufficient to determine the role of this variant in disease. Therefore, it has been classified as a Variant of Uncertain Significance. Algorithms developed to predict the effect of missense changes on protein structure and function are either unavailable or do not agree on the potential impact of this missense change (SIFT: "Deleterious"; PolyPhen-2: "Possibly Damaging"; Align-GVGD: "Class C0"). This variant has not been reported in the literature in individuals affected with CHRNB1-related conditions. This variant is not present in population databases (gnomAD no frequency). This sequence change replaces valine, which is neutral and non-polar, with aspartic acid, which is acidic and polar, at codon 436 of the CHRNB1 protein (p.Val436Asp).